The following is an entry in ClinVar:

NM_020928.2(ZSWIM6):c.503C>T (p.Ser168Leu)

Gene: ZSWIM6 (zinc finger SWIM-type containing 6; plus strand). Cytogenetic location: 5q12.1.
Variant type: single nucleotide variant.
Coding change: c.503C>T on transcript NM_020928.2 (MANE Select); coding-DNA position 503, C replaced by T.
Protein change: p.Ser168Leu; replaces serine 168 with leucine.
Molecular consequence: missense variant.
Genome position (GRCh38, 1-based): chr5:61,332,775, C>T. VCF-style: chr5-61332775-C-T. GRCh37 (hg19) VCF-style: chr5-60628602-C-T.
Other names: short protein forms S168L.
Identifiers: ClinVar variation 1481373 (VCV001481373.6), dbSNP rs2112013550, ClinGen allele CA359940847.

ClinVar aggregate classification (germline): Uncertain significance (1 of 4 stars; one submission).

Submission:

Labcorp Genetics (formerly Invitae), Labcorp
Classification: Uncertain significance. Last evaluated: 2022-10-17. Review status: criteria provided, single submitter. Criteria: Invitae Variant Classification Sherloc (09022015). Collection method: clinical testing. Allele origin: germline.
Comment: This sequence change replaces serine, which is neutral and polar, with leucine, which is neutral and non-polar, at codon 168 of the ZSWIM6 protein (p.Ser168Leu). The frequency data for this variant in the population databases is considered unreliable, as metrics indicate insufficient coverage at this position in the gnomAD database. This variant has not been reported in the literature in individuals affected with ZSWIM6-related conditions. ClinVar contains an entry for this variant (Variation ID: 1481373). Algorithms developed to predict the effect of missense changes on protein structure and function are either unavailable or do not agree on the potential impact of this missense change (SIFT: "Tolerated"; PolyPhen-2: "Not Available"; Align-GVGD: "Class C0"). In summary, the available evidence is currently insufficient to determine the role of this variant in disease. Therefore, it has been classified as a Variant of Uncertain Significance.